The following is an entry in ClinVar:

ClinVar aggregate classification (germline): Uncertain significance (1 of 4 stars; one submission).

Submission:

Labcorp Genetics (formerly Invitae), Labcorp
Classification: Uncertain significance. Last evaluated: 2025-10-22. Review status: criteria provided, single submitter. Criteria: Invitae Variant Classification Sherloc (09022015). Collection method: clinical testing. Allele origin: germline.
Comment: This sequence change replaces serine, which is neutral and polar, with tyrosine, which is neutral and polar, at codon 202 of the PLS1 protein (p.Ser202Tyr). This variant is not present in population databases (gnomAD no frequency). This variant has not been reported in the literature in individuals affected with PLS1-related conditions. Invitae Evidence Modeling of protein sequence and biophysical properties (such as structural, functional, and spatial information, amino acid conservation, physicochemical variation, residue mobility, and thermodynamic stability) indicates that this missense variant is expected to disrupt PLS1 protein function with a positive predictive value of 80%. In summary, the available evidence is currently insufficient to determine the role of this variant in disease. Therefore, it has been classified as a Variant of Uncertain Significance.

NM_001145319.2(PLS1):c.605C>A (p.Ser202Tyr)

Gene: PLS1 (plastin 1; plus strand). Cytogenetic location: 3q23.
Variant type: single nucleotide variant.
Coding change: c.605C>A on transcript NM_001145319.2 (MANE Select); coding-DNA position 605, C replaced by A.
Protein change: p.Ser202Tyr; replaces serine 202 with tyrosine.
Molecular consequence: missense variant.
Genome position (GRCh38, 1-based): chr3:142,684,031, C>A. VCF-style: chr3-142684031-C-A. GRCh37 (hg19) VCF-style: chr3-142402873-C-A.
Other names: c.605C>A, p.Ser202Tyr (NM_001172312.2, NM_002670.3); short protein forms S202Y.
Identifiers: ClinVar variation 4741346 (VCV004741346.1).